The following is an entry in ClinVar:

NM_005609.4(PYGM):c.1383C>T (p.Ser461=)

Gene: PYGM (glycogen phosphorylase, muscle associated; minus strand). Cytogenetic location: 11q13.1.
Variant type: single nucleotide variant.
Coding change: c.1383C>T on transcript NM_005609.4 (MANE Select); coding-DNA position 1383, C replaced by T.
Protein change: p.Ser461=; no amino-acid change (serine 461 retained).
Molecular consequence: synonymous variant.
Genome position (GRCh38, 1-based): chr11:64,753,539, G>A on the plus strand (C>T on the coding strand, the complement: PYGM is on the minus strand). VCF-style: chr11-64753539-G-A. GRCh37 (hg19) VCF-style: chr11-64521011-G-A.
Other names: c.1119C>T, p.Ser373= (NM_001164716.1).
Identifiers: ClinVar variation 1138678 (VCV001138678.32), dbSNP rs775978754, ClinGen allele CA6079890.

ClinVar aggregate classification (germline): Likely benign. Review status: criteria provided, multiple submitters, no conflicts (2 of 4 stars). 2 submissions from 2 submitters: Likely benign (2). Last evaluated 2024-09-05.

Conditions:
Glycogen storage disease, type V (GSD5). Also called: MCARDLE DISEASE; McArdle type glycogen storage disease; MUSCLE GLYCOGEN PHOSPHORYLASE DEFICIENCY; MYOPHOSPHORYLASE DEFICIENCY; PYGM DEFICIENCY. Identifiers: Orphanet 368, MedGen C0017924, MONDO:0009293, OMIM 232600.

Allele frequency attached by ClinVar (database versions not stated): gnomAD 0.00001; gnomAD exomes 0.00002; ExAC 0.00004.
gnomAD v4.1: 30 of 1,596,410 alleles (0.0019%); highest among the groups gnomAD compares: Middle Eastern, 0.016%; no homozygotes.

Submissions (2):

Labcorp Genetics (formerly Invitae), Labcorp
Classification: Likely benign for Glycogen storage disease, type V. Last evaluated: 2024-09-05. Review status: criteria provided, single submitter. Criteria: Invitae Variant Classification Sherloc (09022015). Collection method: clinical testing. Allele origin: germline.

CeGaT Center for Human Genetics Tuebingen
Classification: Likely benign. Last evaluated: 2023-10-01. Review status: criteria provided, single submitter. Criteria: CeGaT Center For Human Genetics Tuebingen Variant Classification Criteria Version 2. Collection method: clinical testing. Allele origin: germline. Affected: yes. Observed: 1 variant allele.
Comment: PYGM: BP4, BP7